The following is an entry in ClinVar:

ClinVar aggregate classification (germline): Likely benign (1 of 4 stars; one submission).

gnomAD v4.1: 6 of 1,612,228 alleles (0.00037%); highest among the groups gnomAD compares: Admixed American, 0.0083%; no homozygotes.

Submission:

CeGaT Center for Human Genetics Tuebingen
Classification: Likely benign. Last evaluated: 2024-09-01. Review status: criteria provided, single submitter. Criteria: CeGaT Center For Human Genetics Tuebingen Variant Classification Criteria Version 2. Collection method: clinical testing. Allele origin: germline. Affected: yes. Observed: 1 variant allele.
Comment: MAB21L1: PM2:Supporting, BP4, BP7

NM_005584.5(MAB21L1):c.636C>G (p.Ser212=)

Genes: MAB21L1 (mab-21 like 1; minus strand), NBEA (neurobeachin; plus strand). Cytogenetic location: 13q13.3.
Variant type: single nucleotide variant.
Coding change: c.636C>G on transcript NM_005584.5 (MANE Select); coding-DNA position 636, C replaced by G.
Protein change: p.Ser212=; no amino-acid change (serine 212 retained).
Molecular consequence: synonymous variant. On other transcripts: intron variant (3).
Genome position (GRCh38, 1-based): chr13:35,475,503, G>C on the plus strand (C>G on the coding strand, the complement: MAB21L1 is on the minus strand). VCF-style: chr13-35475503-G-C. GRCh37 (hg19) VCF-style: chr13-36049640-G-C.
Other names: c.6585+2967G>C (NM_001385012.1, NM_015678.5); c.6576+2967G>C (NM_001379245.1).
Identifiers: ClinVar variation 3389632 (VCV003389632.14).